The following is an entry in ClinVar:

NM_003872.3(NRP2):c.1147-7G>A

Gene: NRP2 (neuropilin 2; plus strand). Cytogenetic location: 2q33.3.
Variant type: single nucleotide variant.
Coding change: c.1147-7G>A on transcript NM_003872.3 (MANE Select); 7 bases into the intron before coding-DNA position 1147, G replaced by A.
Molecular consequence: intron variant.
Genome position (GRCh38, 1-based): chr2:205,740,512, G>A. VCF-style: chr2-205740512-G-A. GRCh37 (hg19) VCF-style: chr2-206605236-G-A.
Other names: c.1147-7G>A (NM_201266.2, NM_201279.2, NM_018534.4 and 2 more transcripts).
Identifiers: ClinVar variation 4984793 (VCV004984793.1).

ClinVar aggregate classification (germline): Likely benign (1 of 4 stars; one submission).

Conditions:
NRP2-related disorder. Also called: NRP2-related condition.

gnomAD v4.1: 12 of 1,614,014 alleles (0.00074%); highest among the groups gnomAD compares: African/African-American, 0.0027%; no homozygotes.

Submission:

PreventionGenetics, part of Exact Sciences
Classification: Likely benign for NRP2-related condition. Last evaluated: 2026-01-26. Review status: criteria provided, single submitter. Criteria: ACMG Guidelines, 2015. Collection method: clinical testing. Allele origin: germline.
Comment: This variant is classified as likely benign based on ACMG/AMP sequence variant interpretation guidelines (Richards et al. 2015 PMID: 25741868, with internal and published modifications).